The following is an entry in ClinVar:

ClinVar aggregate classification (germline): Pathogenic (1 of 4 stars; one submission).

Conditions:
Familial cancer of breast. Also called: Hereditary breast cancer; BREAST CANCER, FAMILIAL; hereditary breast carcinoma. Identifiers: Orphanet 227535, MedGen C0346153, MONDO:0016419, OMIM 114480. Disease mechanism: loss of function.

Submission:

Myriad Genetics, Inc.
Classification: Pathogenic for Familial cancer of breast. Last evaluated: 2023-06-26. Review status: criteria provided, single submitter. Criteria: Myriad Autosomal Dominant, Autosomal Recessive and X-Linked Classification Criteria (2023). Collection method: clinical testing. Allele origin: unknown.
Comment: This variant is considered pathogenic. This variant creates a frameshift predicted to result in premature protein truncation.

NM_007194.4(CHEK2):c.782del (p.Ala261fs)

Gene: CHEK2 (checkpoint kinase 2; minus strand). Cytogenetic location: 22q12.1.
Variant type: Deletion.
Coding change: c.782del on transcript NM_007194.4 (MANE Select); coding-DNA position 782, one base deleted (C; older notation c.782delC).
Protein change: p.Ala261fs; shifts the reading frame from alanine 261.
Molecular consequence: frameshift variant.
Genome position (GRCh38, 1-based): chr22:28,711,919, G deleted on the plus strand (C on the coding strand, the reverse complement: CHEK2 is on the minus strand). VCF-style (leftmost placement, unchanged base first): chr22-28711918-TG-T. GRCh37 (hg19) VCF-style: chr22-29107906-TG-T.
Other names: c.911delC, p.Ala304Glufs (NM_001005735.3); c.119delC, p.Ala40Glufs (NM_001257387.3); c.581delC, p.Ala194Glufs (NM_001349956.3); c.782delC, p.Ala261Glufs (NM_145862.3); short protein forms A194fs, A261fs, A304fs, A40fs.
Identifiers: ClinVar variation 2583192 (VCV002583192.2), dbSNP rs2517959767, ClinGen allele CA2582342765.